The following is an entry in ClinVar:

NM_001374353.1(GLI2):c.3610T>G (p.Tyr1204Asp)

Gene: GLI2 (GLI family zinc finger 2; plus strand). Cytogenetic location: 2q14.2.
Variant type: single nucleotide variant.
Coding change: c.3610T>G on transcript NM_001374353.1 (MANE Select); coding-DNA position 3610, T replaced by G.
Protein change: p.Tyr1204Asp; replaces tyrosine 1204 with aspartic acid.
Molecular consequence: missense variant.
Genome position (GRCh38, 1-based): chr2:120,989,575, T>G. VCF-style: chr2-120989575-T-G. GRCh37 (hg19) VCF-style: chr2-121747151-T-G.
Other names: c.3661T>G, p.Tyr1221Asp (NM_001371271.1, NM_005270.5); c.3235T>G, p.Tyr1079Asp (NM_001374354.1); short protein forms Y1079D, Y1204D, Y1221D.
Identifiers: ClinVar variation 2635627 (VCV002635627.5), dbSNP rs369899304, ClinGen allele CA1852453.
Genomic context (GRCh38, chr2:120,989,575, plus strand): 5'-ACGCAGCCACACCTGCAGCCCCGCAGCGGAGCCCCCTCCCAGGGCATCCCCAGGGTAAAC[T>G]ACATGCAGCAGCTGCGACAGCCAGTGGCAGGCAGCCAGTGTCCTGGCATGACTACCACTA-3'
Protein context (NP_001361282.1, residues 1194-1214): APSQGIPRVN[Tyr1204Asp]MQQLRQPVAG

ClinVar aggregate classification (germline): Uncertain significance. Review status: criteria provided, multiple submitters, no conflicts (2 of 4 stars). 3 submissions from 3 submitters: Uncertain significance (2). 1 of the submissions does not count toward it. Last evaluated 2025-08-04.

Conditions:
Holoprosencephaly 9 (HPE9). Also called: PITUITARY ANOMALIES WITH HOLOPROSENCEPHALY-LIKE FEATURES; HOLOPROSENCEPHALY WITH MICROPHTHALMIA AND FIRST BRANCHIAL ARCH ANOMALIES. Identifiers: Orphanet 2162, MedGen C1835819, MONDO:0012563, OMIM 610829.
Postaxial polydactyly-anterior pituitary anomalies-facial dysmorphism syndrome. Also called: Culler-Jones syndrome. Identifiers: Orphanet 420584, MedGen C4014479, MONDO:0014369, OMIM 615849.
GLI2-related disorder. Also called: GLI2-related disorders; GLI2-related condition.
Inborn genetic diseases. Identifiers: MedGen C0950123, MeSH D030342.

Allele frequency attached by ClinVar (database versions not stated): gnomAD exomes 0.00003; ESP Exome Variant Server 0.00008; TOPMed 0.00002; ExAC 0.00003; gnomAD 0.00002.
gnomAD v4.1: 48 of 1,613,040 alleles (0.003%); highest among the groups gnomAD compares: Non-Finnish European, 0.0038%; 1 homozygote.

Submissions (3):

Labcorp Genetics (formerly Invitae), Labcorp
Classification: Uncertain significance for Postaxial polydactyly-anterior pituitary anomalies-facial dysmorphism syndrome; Holoprosencephaly 9. Last evaluated: 2025-08-04. Review status: criteria provided, single submitter. Criteria: Invitae Variant Classification Sherloc (09022015). Collection method: clinical testing. Allele origin: germline.
Comment: This sequence change replaces tyrosine, which is neutral and polar, with aspartic acid, which is acidic and polar, at codon 1221 of the GLI2 protein (p.Tyr1221Asp). This variant is present in population databases (rs369899304, gnomAD 0.004%). This variant has not been reported in the literature in individuals affected with GLI2-related conditions. ClinVar contains an entry for this variant (Variation ID: 2635627). Invitae Evidence Modeling of protein sequence and biophysical properties (such as structural, functional, and spatial information, amino acid conservation, physicochemical variation, residue mobility, and thermodynamic stability) indicates that this missense variant is not expected to disrupt GLI2 protein function with a negative predictive value of 80%. In summary, the available evidence is currently insufficient to determine the role of this variant in disease. Therefore, it has been classified as a Variant of Uncertain Significance.

Ambry Genetics
Classification: Uncertain significance for Inborn genetic diseases. Last evaluated: 2025-04-03. Review status: criteria provided, single submitter. Criteria: Ambry Variant Classification Scheme 2023. Collection method: clinical testing. Allele origin: germline.

PreventionGenetics, part of Exact Sciences
Classification: Uncertain significance for GLI2-related condition. Last evaluated: 2023-11-29. Review status: no assertion criteria provided. Collection method: clinical testing. Allele origin: germline. Not counted in ClinVar's aggregate classification.
Comment: The GLI2 c.3661T>G variant is predicted to result in the amino acid substitution p.Tyr1221Asp. To our knowledge, this variant has not been reported in the literature. This variant is reported in 0.0047% of alleles in individuals of European (Non-Finnish) descent in gnomAD. At this time, the clinical significance of this variant is uncertain due to the absence of conclusive functional and genetic evidence.